The following is an entry in ClinVar:

ClinVar aggregate classification (germline): Uncertain significance (1 of 4 stars; one submission).

Submission:

Labcorp Genetics (formerly Invitae), Labcorp
Classification: Uncertain significance. Last evaluated: 2023-09-09. Review status: criteria provided, single submitter. Criteria: Invitae Variant Classification Sherloc (09022015). Collection method: clinical testing. Allele origin: germline.
Comment: This variant has not been reported in the literature in individuals affected with ARHGEF1-related conditions. In summary, the available evidence is currently insufficient to determine the role of this variant in disease. Therefore, it has been classified as a Variant of Uncertain Significance. An algorithm developed to predict the effect of missense changes on protein structure and function (PolyPhen-2) suggests that this variant is likely to be tolerated. This variant is not present in population databases (gnomAD no frequency). This sequence change replaces glycine, which is neutral and non-polar, with alanine, which is neutral and non-polar, at codon 22 of the ARHGEF1 protein (p.Gly22Ala).

NM_004706.4(ARHGEF1):c.20G>C (p.Gly7Ala)

Gene: ARHGEF1 (Rho guanine nucleotide exchange factor 1; plus strand). Cytogenetic location: 19q13.2.
Variant type: single nucleotide variant.
Coding change: c.20G>C on transcript NM_004706.4 (MANE Select); coding-DNA position 20, G replaced by C.
Protein change: p.Gly7Ala; replaces glycine 7 with alanine.
Molecular consequence: missense variant. On other transcripts: non-coding transcript variant (2).
Genome position (GRCh38, 1-based): chr19:41,888,102, G>C. VCF-style: chr19-41888102-G-C. GRCh37 (hg19) VCF-style: chr19-42392173-G-C.
Other names: c.20G>C, p.Gly7Ala (NM_001396000.1, NM_001396002.1, NM_001396003.1 and 3 more transcripts); c.65G>C, p.Gly22Ala (NM_199002.2); short protein forms G7A, G22A.
Identifiers: ClinVar variation 2759430 (VCV002759430.3), dbSNP rs781898651, ClinGen allele CA406042379.
Genomic context (GRCh38, chr19:41,888,102, plus strand): 5'-ACAGCCCCTCCTCTTCCTCCAGCCCTGCAGAGCCCAGGGAGATGGAAGACTTCGCCCGAG[G>C]GGCGGTGAGTGGACAGAGCAAGGGGTGAGGCGACTCTGGGGCTGTGGGTGGAGAGTCCTG-3'
Protein context (NP_004697.2, residues 1-17): MEDFAR[Gly7Ala]AASPGPSRPG